The following is an entry in ClinVar:

NM_014727.3(KMT2B):c.6919T>C (p.Ser2307Pro)

Gene: KMT2B (lysine methyltransferase 2B; plus strand). Cytogenetic location: 19q13.12.
Variant type: single nucleotide variant.
Coding change: c.6919T>C on transcript NM_014727.3 (MANE Select); coding-DNA position 6919, T replaced by C.
Protein change: p.Ser2307Pro; replaces serine 2307 with proline.
Molecular consequence: missense variant.
Genome position (GRCh38, 1-based): chr19:35,733,468, T>C. VCF-style: chr19-35733468-T-C. GRCh37 (hg19) VCF-style: chr19-36224369-T-C.
Other names: c.6919T>C (NM_014727.2); short protein forms S2307P.
Identifiers: ClinVar variation 1031295 (VCV001031295.4), dbSNP rs1410535754, ClinGen allele CA405430570.
Genomic context (GRCh38, chr19:35,733,468, plus strand): 5'-CGGTCCCCGCCAGCACCTCCCCCATACAAAGCCCCCCGGCTGGATGAAGATGGAGAGGCC[T>C]CAGAGGATACCCCTCAGGTTCCAGGGCTTGGCAGTGGCGGGTGAGTGCGGGTGCTGAGGC-3'
Protein context (NP_055542.1, residues 2297-2317): APRLDEDGEA[Ser2307Pro]EDTPQVPGLG

ClinVar aggregate classification (germline): Uncertain significance. Review status: criteria provided, multiple submitters, no conflicts (2 of 4 stars). 3 submissions from 3 submitters: Uncertain significance (3). Last evaluated 2024-05-04.

Conditions:
Dystonia 28, childhood-onset (DYT28). Also called: KMT2B-Related Dystonia (DYT-KMT2B). Identifiers: Orphanet 589618, MedGen C4310633, MONDO:0015004, OMIM 617284.

Allele frequency attached by ClinVar (database versions not stated): gnomAD exomes 0.00001; TOPMed 0.00001.
gnomAD v4.1: 10 of 1,563,838 alleles (0.00064%); highest among the groups gnomAD compares: Non-Finnish European, 0.00087%; no homozygotes.

Submissions (3):

Labcorp Genetics (formerly Invitae), Labcorp
Classification: Uncertain significance. Last evaluated: 2024-05-04. Review status: criteria provided, single submitter. Criteria: Invitae Variant Classification Sherloc (09022015). Collection method: clinical testing. Allele origin: germline.
Comment: This sequence change replaces serine, which is neutral and polar, with proline, which is neutral and non-polar, at codon 2307 of the KMT2B protein (p.Ser2307Pro). This variant is not present in population databases (gnomAD no frequency). This variant has not been reported in the literature in individuals affected with KMT2B-related conditions. ClinVar contains an entry for this variant (Variation ID: 1031295). Advanced modeling of protein sequence and biophysical properties (such as structural, functional, and spatial information, amino acid conservation, physicochemical variation, residue mobility, and thermodynamic stability) performed at Invitae indicates that this missense variant is not expected to disrupt KMT2B protein function with a negative predictive value of 95%. In summary, the available evidence is currently insufficient to determine the role of this variant in disease. Therefore, it has been classified as a Variant of Uncertain Significance.

GeneDx
Classification: Uncertain significance. Last evaluated: 2023-06-12. Review status: criteria provided, single submitter. Criteria: GeneDx Variant Classification Process June 2021. Collection method: clinical testing. Allele origin: germline. Affected: yes.
Comment: Not observed at significant frequency in large population cohorts (gnomAD); In silico analysis supports that this missense variant does not alter protein structure/function; Has not been previously published as pathogenic or benign to our knowledge

Baylor Genetics
Classification: Uncertain significance for Dystonia 28, childhood-onset. Last evaluated: 2019-09-11. Review status: criteria provided, single submitter. Criteria: ACMG Guidelines, 2015. Collection method: clinical testing. Allele origin: unknown. Affected: yes.
Comment: This variant was determined to be of uncertain significance according to ACMG Guidelines, 2015 [PMID:25741868].